The following is an entry in ClinVar:

ClinVar aggregate classification (germline): Uncertain significance (1 of 4 stars; one submission).

Conditions:
Hereditary cancer-predisposing syndrome. Also called: Neoplastic Syndromes, Hereditary; Tumor predisposition; Hereditary neoplastic syndrome; Hereditary Cancer Syndrome. Identifiers: Orphanet 140162, MedGen C0027672, MeSH D009386, MONDO:0015356.

Submission:

Color Diagnostics, LLC DBA Color Health
Classification: Uncertain significance for Hereditary cancer-predisposing syndrome. Last evaluated: 2023-12-04. Review status: criteria provided, single submitter. Criteria: ACMG Guidelines, 2015. Collection method: clinical testing. Allele origin: germline.
Comment: This missense variant replaces leucine with serine at codon 282 of the BARD1 protein. Computational prediction suggests that this variant may not impact protein structure and function (internally defined REVEL score threshold <= 0.5, PMID: 27666373). To our knowledge, functional studies have not been reported for this variant. This variant has not been reported in individuals affected with BARD1-related disorders in the literature. This variant has not been identified in the general population by the Genome Aggregation Database (gnomAD). The available evidence is insufficient to determine the role of this variant in disease conclusively. Therefore, this variant is classified as a Variant of Uncertain Significance.

NM_000465.4(BARD1):c.845T>C (p.Leu282Ser)

Gene: BARD1 (BRCA1 associated RING domain 1; minus strand). Cytogenetic location: 2q35.
Variant type: single nucleotide variant.
Coding change: c.845T>C on transcript NM_000465.4 (MANE Select); coding-DNA position 845, T replaced by C.
Protein change: p.Leu282Ser; replaces leucine 282 with serine.
Molecular consequence: missense variant. On other transcripts: non-coding transcript variant (2), intron variant (3).
Genome position (GRCh38, 1-based): chr2:214,781,029, A>G on the plus strand (T>C on the coding strand, the complement: BARD1 is on the minus strand). VCF-style: chr2-214781029-A-G. GRCh37 (hg19) VCF-style: chr2-215645753-A-G.
Other names: c.788T>C, p.Leu263Ser (NM_001282543.2); c.158+28383T>C (NM_001282548.2); c.215+16032T>C (NM_001282545.2); c.364+11268T>C (NM_001282549.2); short protein forms L282S, L263S.
Identifiers: ClinVar variation 628739 (VCV000628739.5), dbSNP rs1559424802, ClinGen allele CA350455283.
Genomic context (GRCh38, chr2:214,781,029, plus strand): 5'-TTCTCAGGAGTCACTACTTCATTCCTGCTCTTAGTGTCTGGAGACTCTATTTGCTCAGCC[A>G]ATGGTAAAGAGACTTCAGTTAAACTTCCAAAACATTCAGATTCTGTCAAGGAGCCACTTG-3'
Protein context (NP_000456.2, residues 272-292): FGSLTEVSLP[Leu282Ser]AEQIESPDTK